The following is an entry in ClinVar:

NM_080425.4(GNAS):c.583C>T (p.Pro195Ser)

Gene: GNAS (GNAS complex locus; plus strand). Cytogenetic location: 20q13.32.
Variant type: single nucleotide variant.
Coding change: c.583C>T on transcript NM_080425.4 (MANE Plus Clinical); coding-DNA position 583, C replaced by T.
Protein change: p.Pro195Ser; replaces proline 195 with serine.
Molecular consequence: missense variant. On other transcripts: genic upstream transcript variant (1), intron variant (3), synonymous variant (2).
Genome position (GRCh38, 1-based): chr20:58,853,848, C>T. VCF-style: chr20-58853848-C-T. GRCh37 (hg19) VCF-style: chr20-57428903-C-T.
Other names: c.-37879C>T (NM_000516.7); c.*42+12962C>T (NM_016592.5); c.43+12962C>T (NM_001410912.1); c.-39+11973C>T (NM_001309861.2); c.396C>T, p.Ser132= (NM_001077490.3, NM_001309883.1); c.583C>T, p.Pro195Ser (NM_001410913.1); short protein forms P195S.
Identifiers: ClinVar variation 4847763 (VCV004847763.1).

ClinVar aggregate classification (germline): Uncertain significance (1 of 4 stars; one submission).

gnomAD v4.1: 1 of 1,594,496 alleles (0.000063%); highest among the groups gnomAD compares: South Asian, 0.0011%; no homozygotes.

Submission:

Women's Health and Genetics/Laboratory Corporation of America, LabCorp
Classification: Uncertain significance. Last evaluated: 2026-03-23. Review status: criteria provided, single submitter. Criteria: LabCorp Variant Classification Summary - May 2015. Collection method: clinical testing. Allele origin: germline.
Comment: Variant summary: GNAS c.-37879C>T (also known as c.583C>T (p.Pro195Ser) in NM_080425) is located in the untranscribed region upstream of the GNAS gene region. The variant allele was found at a frequency of 4.8e-06 in 209960 control chromosomes (gnomAD). The available data on variant occurrences in the general population are insufficient to allow any conclusion about variant significance. To our knowledge, no occurrence of c.-37879C>T in individuals affected with GNAS-related conditions and no experimental evidence demonstrating its impact on protein function have been reported. No submitters have cited clinical-significance assessments for this variant to ClinVar. Based on the evidence outlined above, the variant was classified as uncertain significance.